The following is an entry in ClinVar:

ClinVar aggregate classification (germline): Uncertain significance (1 of 4 stars; one submission).

Submission:

Labcorp Genetics (formerly Invitae), Labcorp
Classification: Uncertain significance. Last evaluated: 2024-11-15. Review status: criteria provided, single submitter. Criteria: Invitae Variant Classification Sherloc (09022015). Collection method: clinical testing. Allele origin: germline.
Comment: This sequence change replaces leucine, which is neutral and non-polar, with isoleucine, which is neutral and non-polar, at codon 211 of the DMRT2 protein (p.Leu211Ile). This variant is not present in population databases (gnomAD no frequency). This variant has not been reported in the literature in individuals affected with DMRT2-related conditions. An algorithm developed to predict the effect of missense changes on protein structure and function (PolyPhen-2) suggests that this variant is likely to be tolerated. In summary, the available evidence is currently insufficient to determine the role of this variant in disease. Therefore, it has been classified as a Variant of Uncertain Significance.

NM_181872.6(DMRT2):c.629-492C>A

Gene: DMRT2 (doublesex and mab-3 related transcription factor 2; plus strand). Cytogenetic location: 9p24.3.
Variant type: single nucleotide variant.
Coding change: c.629-492C>A on transcript NM_181872.6 (MANE Select); 492 bases into the intron before coding-DNA position 629, C replaced by A.
Molecular consequence: intron variant. On other transcripts: missense variant (5), non-coding transcript variant (1).
Genome position (GRCh38, 1-based): chr9:1,055,724, C>A. VCF-style: chr9-1055724-C-A. GRCh37 (hg19) VCF-style: chr9-1055724-C-A.
Other names: c.631C>A, p.Leu211Ile (NM_001130865.3, NM_001370531.1, NM_001370533.1 and 2 more transcripts); c.629-492C>A (NM_001387558.1, NM_001387559.1); c.107-492C>A (NM_001370532.1); c.-71-492C>A (NM_001387560.1); short protein forms L211I.
Identifiers: ClinVar variation 3623660 (VCV003623660.2).